The following is an entry in ClinVar:

NM_003119.4(SPG7):c.2225A>G (p.Asp742Gly)

Gene: SPG7 (SPG7 matrix AAA peptidase subunit, paraplegin; plus strand). Cytogenetic location: 16q24.3.
Variant type: single nucleotide variant.
Coding change: c.2225A>G on transcript NM_003119.4 (MANE Select); coding-DNA position 2225, A replaced by G.
Protein change: p.Asp742Gly; replaces aspartic acid 742 with glycine.
Molecular consequence: missense variant. On other transcripts: 3 prime UTR variant (1).
Genome position (GRCh38, 1-based): chr16:89,556,930, A>G. VCF-style: chr16-89556930-A-G. GRCh37 (hg19) VCF-style: chr16-89623338-A-G.
Other names: c.*3A>G (NM_001363850.1); short protein forms D742G.
Identifiers: ClinVar variation 885273 (VCV000885273.15), dbSNP rs759329959, ClinGen allele CA8244627.

ClinVar aggregate classification (germline): Uncertain significance. Review status: criteria provided, multiple submitters, no conflicts (2 of 4 stars). 4 submissions from 4 submitters: Uncertain significance (4). Last evaluated 2025-08-07.

Conditions:
Hereditary spastic paraplegia. Also called: Familial spastic paraparesis. Identifiers: Orphanet 685, MedGen C0037773, MONDO:0019064. Disease mechanism: loss of function.
Hereditary spastic paraplegia 7 (SPG7). Also called: SPG7-related neurologic disorder; Autosomal recessive spastic paraplegia type 7; SPASTIC PARAPLEGIA 7, AUTOSOMAL RECESSIVE, WITH OR WITHOUT CEREBELLAR ATAXIA; Spastic paraplegia 7; Hereditary spastic paraplegia Paraplegin type. Identifiers: Orphanet 99013, MedGen C1846564, MONDO:0011803, OMIM 607259.
Inborn genetic diseases. Identifiers: MedGen C0950123, MeSH D030342.

Allele frequency attached by ClinVar (database versions not stated): gnomAD exomes 0.00005; gnomAD 0.00001 and 0.00005; TOPMed 0.00002; ExAC 0.00003.

Submissions (4):

Ambry Genetics
Classification: Uncertain significance for Inborn genetic diseases. Last evaluated: 2025-08-07. Review status: criteria provided, single submitter. Criteria: Ambry Variant Classification Scheme 2023. Collection method: clinical testing. Allele origin: germline.

Labcorp Genetics (formerly Invitae), Labcorp
Classification: Uncertain significance for Hereditary spastic paraplegia 7. Last evaluated: 2024-12-25. Review status: criteria provided, single submitter. Criteria: Invitae Variant Classification Sherloc (09022015). Collection method: clinical testing. Allele origin: germline.
Comment: This sequence change replaces aspartic acid, which is acidic and polar, with glycine, which is neutral and non-polar, at codon 742 of the SPG7 protein (p.Asp742Gly). This variant is present in population databases (rs759329959, gnomAD 0.04%). This variant has not been reported in the literature in individuals affected with SPG7-related conditions. ClinVar contains an entry for this variant (Variation ID: 885273). Invitae Evidence Modeling of protein sequence and biophysical properties (such as structural, functional, and spatial information, amino acid conservation, physicochemical variation, residue mobility, and thermodynamic stability) has been performed for this missense variant. However, the output from this modeling did not meet the statistical confidence thresholds required to predict the impact of this variant on SPG7 protein function. In summary, the available evidence is currently insufficient to determine the role of this variant in disease. Therefore, it has been classified as a Variant of Uncertain Significance.

Genome Diagnostics Laboratory, The Hospital for Sick Children
Classification: Uncertain significance for Hereditary spastic paraplegia. Last evaluated: 2018-03-01. Review status: criteria provided, single submitter. Criteria: ACMG Guidelines, 2015. Collection method: clinical testing. Allele origin: germline. Affected: yes.

Illumina Laboratory Services, Illumina
Classification: Uncertain significance for Hereditary spastic paraplegia 7. Last evaluated: 2018-01-12. Review status: criteria provided, single submitter. Criteria: ICSL Variant Classification Criteria 13 December 2019. Collection method: clinical testing. Allele origin: germline.